The following is an entry in ClinVar:

ClinVar aggregate classification (germline): Uncertain significance (1 of 4 stars; one submission).

Submission:

Labcorp Genetics (formerly Invitae), Labcorp
Classification: Uncertain significance. Last evaluated: 2021-07-30. Review status: criteria provided, single submitter. Criteria: Invitae Variant Classification Sherloc (09022015). Collection method: clinical testing. Allele origin: germline.
Comment: This variant has not been reported in the literature in individuals affected with COL18A1-related conditions. This variant, c.757_759del, results in the deletion of 1 amino acid(s) of the COL18A1 protein (p.Ser253del), but otherwise preserves the integrity of the reading frame. This variant is not present in population databases (ExAC no frequency). Experimental studies and prediction algorithms are not available or were not evaluated, and the functional significance of this variant is currently unknown. In summary, the available evidence is currently insufficient to determine the role of this variant in disease. Therefore, it has been classified as a Variant of Uncertain Significance.

NM_001379500.1(COL18A1):c.757_759del (p.Ser253del)

Gene: COL18A1 (collagen type XVIII alpha 1 chain; plus strand). Cytogenetic location: 21q22.3.
Variant type: Deletion.
Coding change: c.757_759del on transcript NM_001379500.1 (MANE Select); coding-DNA positions 757 to 759, 3 bases deleted (AGC; older notation c.757_759delAGC).
Protein change: p.Ser253del; deletes serine 253.
Molecular consequence: inframe deletion.
Genome position (GRCh38, 1-based): chr21:45,475,494-45,475,496, AGC deleted; deleting any 3 consecutive bases within chr21:45,475,492-45,475,496 gives the same sequence; the c. name uses the placement nearest the transcript's 3' end. VCF-style (leftmost placement, unchanged base first): chr21-45475491-GGCA-G. GRCh37 (hg19) VCF-style: chr21-46895405-GGCA-G.
Other names: c.1297_1299del, p.Ser433del (NM_030582.4); c.2002_2004del, p.Ser668del (NM_130444.3); short protein forms S253del, S433del, S668del.
Identifiers: ClinVar variation 1371147 (VCV001371147.8), dbSNP rs2145915496, ClinGen allele CA2573157566.